The following is an entry in ClinVar:

ClinVar aggregate classification (germline): Uncertain significance (1 of 4 stars; one submission).

Submission:

CeGaT Center for Human Genetics Tuebingen
Classification: Uncertain significance. Last evaluated: 2025-02-01. Review status: criteria provided, single submitter. Criteria: CeGaT Center For Human Genetics Tuebingen Variant Classification Criteria Version 2. Collection method: clinical testing. Allele origin: germline. Affected: yes. Observed: 1 variant allele.
Comment: TUBB8: PM2:Supporting, PP2, PS4:Supporting

NM_177987.3(TUBB8):c.925C>T (p.Arg309Cys)

Gene: TUBB8 (tubulin beta 8 class VIII; minus strand). Cytogenetic location: 10p15.3.
Variant type: single nucleotide variant.
Coding change: c.925C>T on transcript NM_177987.3 (MANE Select); coding-DNA position 925, C replaced by T.
Protein change: p.Arg309Cys; replaces arginine 309 with cysteine.
Molecular consequence: missense variant.
Genome position (GRCh38, 1-based): chr10:47,467, G>A on the plus strand (C>T on the coding strand, the complement: TUBB8 is on the minus strand). VCF-style: chr10-47467-G-A. GRCh37 (hg19) VCF-style: chr10-93407-G-A.
Other names: c.709C>T, p.Arg237Cys (NM_001389618.1, NM_001389619.1); short protein forms R237C, R309C.
Identifiers: ClinVar variation 3770562 (VCV003770562.13).
Genomic context (GRCh38, chr10:47,467, plus strand): 5'-GTTCATCCACCTCCCTCATGGGCATGCGACCCCTGAAAATGGCAGCCGCCGTTAGGTAGC[G>A]GCCGTGACGGGGGTCACAGGCAGCCATCATGTTCTTAGCATCAAACATCTGCTGGGTAAG-3'
Protein context (NP_817124.1, residues 299-319): MMAACDPRHG[Arg309Cys]YLTAAAIFRG